The following is an entry in ClinVar:

NM_203447.4(DOCK8):c.5010G>A (p.Ala1670=)

Gene: DOCK8 (dedicator of cytokinesis 8; plus strand). Cytogenetic location: 9p24.3.
Variant type: single nucleotide variant.
Coding change: c.5010G>A on transcript NM_203447.4 (MANE Select); coding-DNA position 5010, G replaced by A.
Protein change: p.Ala1670=; no amino-acid change (alanine 1670 retained).
Molecular consequence: synonymous variant.
Genome position (GRCh38, 1-based): chr9:434,906, G>A. VCF-style: chr9-434906-G-A. GRCh37 (hg19) VCF-style: chr9-434906-G-A.
Other names: p.Ala1670=; c.4710G>A, p.Ala1570= (NM_001190458.2); c.4806G>A, p.Ala1602= (NM_001193536.2).
Identifiers: ClinVar variation 536614 (VCV000536614.40), dbSNP rs142208336, ClinGen allele CA4959272.
Genomic context (GRCh38, chr9:434,906, plus strand): 5'-GAAACACACCAAGAAGAAGTGCTACACGGAGGCTGCCATGTGCCTGGTGCACGCCGCTGC[G>A]TTAGTGGCTGAGTATCTGAGCATGCTGGAGGACCACAGCTACCTGCCCGTGGGCAGTGTC-3'
Protein context (NP_982272.2, residues 1660-1680): EAAMCLVHAA[Ala1670=]LVAEYLSMLE

ClinVar aggregate classification (germline): Benign/Likely benign. Review status: criteria provided, multiple submitters, no conflicts (2 of 4 stars). 5 submissions from 5 submitters: Benign (2); Likely benign (3). Last evaluated 2026-01-24.

Conditions:
Combined immunodeficiency due to DOCK8 deficiency (HIES2). Also called: HIES autosomal recessive; Hyper-IgE recurrent infection syndrome, autosomal recessive; DOCK8 Deficiency; HYPER-IgE RECURRENT INFECTION SYNDROME 2, AUTOSOMAL RECESSIVE; HYPER-IgE SYNDROME 2, AUTOSOMAL RECESSIVE, WITH RECURRENT INFECTIONS. Identifiers: Orphanet 217390, MedGen C4722305, MONDO:0009478, OMIM 243700.

Allele frequency attached by ClinVar (database versions not stated): gnomAD exomes 0.00021 and 0.00038; ExAC 0.00055; 1000 Genomes Project 0.00080; 1000 Genomes Project 30x 0.00109; gnomAD 0.00119 and 0.00128; TOPMed 0.00145; ESP Exome Variant Server 0.00192.
gnomAD v4.1: 491 of 1,613,840 alleles (0.03%); highest among the groups gnomAD compares: African/African-American, 0.39%; 1 homozygote.

Submissions (5):

Labcorp Genetics (formerly Invitae), Labcorp
Classification: Benign for Combined immunodeficiency due to DOCK8 deficiency. Last evaluated: 2026-01-24. Review status: criteria provided, single submitter. Criteria: Invitae Variant Classification Sherloc (09022015). Collection method: clinical testing. Allele origin: germline.

Mayo Clinic Laboratories, Mayo Clinic
Classification: Likely benign. Last evaluated: 2025-05-21. Review status: criteria provided, single submitter. Criteria: ACMG Guidelines, 2015. Collection method: clinical testing. Allele origin: germline. Observed: 1 variant allele.
Comment: BS1, BP4, BP7

Blueprint Genetics
Classification: Likely benign. Last evaluated: 2024-11-26. Review status: criteria provided, single submitter. Criteria: ACMG Guidelines, 2015. Collection method: clinical testing. Allele origin: germline.

CeGaT Center for Human Genetics Tuebingen
Classification: Likely benign. Last evaluated: 2023-10-01. Review status: criteria provided, single submitter. Criteria: CeGaT Center For Human Genetics Tuebingen Variant Classification Criteria Version 2. Collection method: clinical testing. Allele origin: germline. Affected: yes. Observed: 1 variant allele.
Comment: DOCK8: BP4, BP7

Genetic Services Laboratory, University of Chicago
Classification: Benign. Last evaluated: 2021-03-19. Review status: criteria provided, single submitter. Criteria: ACMG Guidelines, 2015. Collection method: clinical testing. Allele origin: germline. Affected: no.